The following is an entry in ClinVar:

NM_001273.5(CHD4):c.3988G>A (p.Ala1330Thr)

Genes: CHD4 (chromodomain helicase DNA binding protein 4; minus strand), CHD4-AS1 (CHD4 antisense RNA 1; plus strand). Cytogenetic location: 12p13.31.
Variant type: single nucleotide variant.
Coding change: c.3988G>A on transcript NM_001273.5 (MANE Select); coding-DNA position 3988, G replaced by A.
Protein change: p.Ala1330Thr; replaces alanine 1330 with threonine.
Molecular consequence: missense variant.
Genome position (GRCh38, 1-based): chr12:6,583,270, C>T on the plus strand (G>A on the coding strand, the complement: CHD4 is on the minus strand). VCF-style: chr12-6583270-C-T. GRCh37 (hg19) VCF-style: chr12-6692436-C-T.
Other names: c.3967G>A, p.Ala1323Thr (NM_001297553.2); c.3949G>A, p.Ala1317Thr (NM_001363606.2); short protein forms A1317T, A1330T, A1323T.
Identifiers: ClinVar variation 3665988 (VCV003665988.2).
Genomic context (GRCh38, chr12:6,583,270, plus strand): 5'-GGGAGCCATCATTGTAGTTGACCTGTTTACGGATTCTTTTTCCTTTGCCCAGATTTCGGG[C>T]TAGATCTTCTTGCTGCTGCTCATAATGGTGCCGCAGCAATTTCTCCCAGTAGTCAGGATC-3'
Protein context (NP_001264.2, residues 1320-1340): HHYEQQQEDL[Ala1330Thr]RNLGKGKRIR

ClinVar aggregate classification (germline): Uncertain significance (1 of 4 stars; one submission).

gnomAD v4.1: 1 of 1,614,174 alleles (0.000062%); highest among the groups gnomAD compares: Non-Finnish European, 0.000085%; no homozygotes.

Submission:

Labcorp Genetics (formerly Invitae), Labcorp
Classification: Uncertain significance. Last evaluated: 2024-10-25. Review status: criteria provided, single submitter. Criteria: Invitae Variant Classification Sherloc (09022015). Collection method: clinical testing. Allele origin: germline.
Comment: This sequence change replaces alanine, which is neutral and non-polar, with threonine, which is neutral and polar, at codon 1330 of the CHD4 protein (p.Ala1330Thr). This variant is not present in population databases (gnomAD no frequency). This variant has not been reported in the literature in individuals affected with CHD4-related conditions. Invitae Evidence Modeling of protein sequence and biophysical properties (such as structural, functional, and spatial information, amino acid conservation, physicochemical variation, residue mobility, and thermodynamic stability) indicates that this missense variant is not expected to disrupt CHD4 protein function with a negative predictive value of 80%. In summary, the available evidence is currently insufficient to determine the role of this variant in disease. Therefore, it has been classified as a Variant of Uncertain Significance.